The following is an entry in ClinVar:

ClinVar aggregate classification (germline): Likely benign (0 of 4 stars; one submission).

Conditions:
NCOA1-related disorder. Also called: NCOA1-related condition.

gnomAD v4.1: 32 of 1,614,052 alleles (0.002%); highest among the groups gnomAD compares: Non-Finnish European, 0.0025%; no homozygotes.

Submission:

PreventionGenetics, part of Exact Sciences
Classification: Likely benign for NCOA1-related condition. Last evaluated: 2024-04-18. Review status: no assertion criteria provided. Collection method: clinical testing. Allele origin: germline.
Comment: This variant is classified as likely benign based on ACMG/AMP sequence variant interpretation guidelines (Richards et al. 2015 PMID: 25741868, with internal and published modifications).

NM_003743.5(NCOA1):c.2934A>C (p.Ala978=)

Gene: NCOA1 (nuclear receptor coactivator 1; plus strand). Cytogenetic location: 2p23.3.
Variant type: single nucleotide variant.
Coding change: c.2934A>C on transcript NM_003743.5 (MANE Select); coding-DNA position 2934, A replaced by C.
Protein change: p.Ala978=; no amino-acid change (alanine 978 retained).
Molecular consequence: synonymous variant.
Genome position (GRCh38, 1-based): chr2:24,729,548, A>C. VCF-style: chr2-24729548-A-C. GRCh37 (hg19) VCF-style: chr2-24952417-A-C.
Other names: c.2934A>C, p.Ala978= (NM_001362950.1, NM_001362952.1, NM_001362954.1 and 3 more transcripts).
Identifiers: ClinVar variation 3355421 (VCV003355421.1).